The following is an entry in ClinVar:

ClinVar aggregate classification (germline): Likely benign. Review status: criteria provided, multiple submitters, no conflicts (2 of 4 stars). 5 submissions from 5 submitters: Likely benign (5). Last evaluated 2026-01-01.

Conditions:
SCN9A-related disorder. Also called: SCN9A-related disorders; SCN9A-related condition.
Generalized epilepsy with febrile seizures plus, type 7 (GEFSP7). Also called: GEFS+, TYPE 7. Identifiers: Orphanet 36387, MedGen C2751778, MONDO:0013470, OMIM 613863.
Neuropathy, hereditary sensory and autonomic, type 2A (HSAN2A). Also called: HSAN IIA; ACROOSTEOLYSIS, GIACCAI TYPE; ACROOSTEOLYSIS, NEUROGENIC; WNK1-Related HSAN2 (HSAN2A); MORVAN DISEASE; NEUROPATHY, CONGENITAL SENSORY. Identifiers: Orphanet 970, MedGen C2752089, MONDO:0024309, OMIM 201300.
Inborn genetic diseases. Identifiers: MedGen C0950123, MeSH D030342.

Allele frequency attached by ClinVar (database versions not stated): gnomAD 0.00001; gnomAD exomes 0.00002 and 0.00006; TOPMed 0.00003; ExAC 0.00005.
gnomAD v4.1: 34 of 1,595,408 alleles (0.0021%); highest among the groups gnomAD compares: Admixed American, 0.019%; no homozygotes.

Submissions (5):

Labcorp Genetics (formerly Invitae), Labcorp
Classification: Likely benign for Neuropathy, hereditary sensory and autonomic, type 2A; Generalized epilepsy with febrile seizures plus, type 7. Last evaluated: 2026-01-01. Review status: criteria provided, single submitter. Criteria: Invitae Variant Classification Sherloc (09022015). Collection method: clinical testing. Allele origin: germline.

PreventionGenetics, part of Exact Sciences
Classification: Likely benign for SCN9A-related condition. Last evaluated: 2025-12-23. Review status: criteria provided, single submitter. Criteria: ACMG Guidelines, 2015. Collection method: clinical testing. Allele origin: germline.
Comment: This variant is classified as likely benign based on ACMG/AMP sequence variant interpretation guidelines (Richards et al. 2015 PMID: 25741868, with internal and published modifications).

Blueprint Genetics
Classification: Likely benign. Last evaluated: 2023-04-21. Review status: criteria provided, single submitter. Criteria: ACMG Guidelines, 2015. Collection method: clinical testing. Allele origin: germline.

Ambry Genetics
Classification: Likely benign for Inborn genetic diseases. Last evaluated: 2019-07-11. Review status: criteria provided, single submitter. Criteria: Ambry Variant Classification Scheme 2023. Collection method: clinical testing. Allele origin: germline.

GeneDx
Classification: Likely benign. Last evaluated: 2017-08-23. Review status: criteria provided, single submitter. Criteria: GeneDx Variant Classification (06012015). Collection method: clinical testing. Allele origin: germline. Affected: yes.
Comment: This variant is considered likely benign or benign based on one or more of the following criteria: it is a conservative change, it occurs at a poorly conserved position in the protein, it is predicted to be benign by multiple in silico algorithms, and/or has population frequency not consistent with disease.

NM_001365536.1(SCN9A):c.3036A>G (p.Lys1012=)

Genes: SCN1A-AS1 (SCN1A and SCN9A antisense RNA 1; plus strand), SCN9A (sodium voltage-gated channel alpha subunit 9; minus strand). Cytogenetic location: 2q24.3.
Variant type: single nucleotide variant.
Coding change: c.3036A>G on transcript NM_001365536.1 (MANE Select); coding-DNA position 3036, A replaced by G.
Protein change: p.Lys1012=; no amino-acid change (lysine 1012 retained).
Molecular consequence: synonymous variant.
Genome position (GRCh38, 1-based): chr2:166,272,714, T>C on the plus strand (A>G on the coding strand, the complement: SCN9A is on the minus strand). VCF-style: chr2-166272714-T-C. GRCh37 (hg19) VCF-style: chr2-167129224-T-C.
Other names: c.3003A>G, p.Lys1001= (NM_002977.4).
Identifiers: ClinVar variation 511554 (VCV000511554.13), dbSNP rs200375962, ClinGen allele CA1944150.
Genomic context (GRCh38, chr2:166,272,714, plus strand): 5'-AGTATTCAGATCTTCTGCTTGTCTTATCTCCCTGGAAATCTTTGGCTTTTTGGAAAATGC[T>C]TTTAGAATAAATTCACGTAAGGTTTGTTTCACATAATTTATTCCCTTTTTAATTCTAGTC-3'
Protein context (NP_001352465.1, residues 1002-1022): VKQTLREFIL[Lys1012=]AFSKKPKISR